The following is an entry in ClinVar:

NM_000516.7(GNAS):c.1095C>T (p.Cys365=)

Gene: GNAS (GNAS complex locus; plus strand). Cytogenetic location: 20q13.32.
Variant type: single nucleotide variant.
Coding change: c.1095C>T on transcript NM_000516.7 (MANE Select); coding-DNA position 1095, C replaced by T.
Protein change: p.Cys365=; no amino-acid change (cysteine 365 retained).
Molecular consequence: synonymous variant. On other transcripts: 3 prime UTR variant (2).
Genome position (GRCh38, 1-based): chr20:58,910,739, C>T. VCF-style: chr20-58910739-C-T. GRCh37 (hg19) VCF-style: chr20-57485794-C-T.
Other names: c.1095C>T (NM_000516.5); c.1098C>T, p.Cys366= (NM_001077488.5); c.1050C>T, p.Cys350= (NM_001077489.4); c.*956C>T (NM_001077490.3); c.918C>T, p.Cys306= (NM_001309840.2, NM_001309861.2); c.999C>T, p.Cys333= (NM_001410912.1); c.2979C>T, p.Cys993= (NM_001410913.1); c.*1001C>T (NM_016592.5); and 2 more.
Identifiers: ClinVar variation 2416183 (VCV002416183.9), dbSNP rs142938710, ClinGen allele CA316343740.

ClinVar aggregate classification (germline): Likely benign. Review status: criteria provided, single submitter (1 of 4 stars). 2 submissions from 2 submitters: Likely benign (1). 1 of the submissions does not count toward it. Last evaluated 2025-10-26.

Conditions:
GNAS-related disorder. Identifiers: MedGen CN380105.

Allele frequency attached by ClinVar (database versions not stated): gnomAD 0.00001; gnomAD exomes 0.00001; TOPMed 0.00006; ESP Exome Variant Server 0.00008.
gnomAD v4.1: 25 of 1,613,932 alleles (0.0015%); highest among the groups gnomAD compares: South Asian, 0.0077%; no homozygotes.

Submissions (2):

Labcorp Genetics (formerly Invitae), Labcorp
Classification: Likely benign. Last evaluated: 2025-10-26. Review status: criteria provided, single submitter. Criteria: Invitae Variant Classification Sherloc (09022015). Collection method: clinical testing. Allele origin: germline.

PreventionGenetics, part of Exact Sciences
Classification: Likely benign for GNAS-related condition. Last evaluated: 2019-12-16. Review status: no assertion criteria provided. Collection method: clinical testing. Allele origin: germline. Not counted in ClinVar's aggregate classification.
Comment: This variant is classified as likely benign based on ACMG/AMP sequence variant interpretation guidelines (Richards et al. 2015 PMID: 25741868, with internal and published modifications).